The following is an entry in ClinVar:

ClinVar aggregate classification (germline): Uncertain significance (1 of 4 stars; one submission).

Submission:

CeGaT Center for Human Genetics Tuebingen
Classification: Uncertain significance. Last evaluated: 2022-10-01. Review status: criteria provided, single submitter. Criteria: CeGaT Center For Human Genetics Tuebingen Variant Classification Criteria Version 2. Collection method: clinical testing. Allele origin: germline. Affected: yes. Observed: 1 variant allele.
Comment: LRP2: PM2

NM_004525.3(LRP2):c.8686C>A (p.Pro2896Thr)

Gene: LRP2 (LDL receptor related protein 2; minus strand). Cytogenetic location: 2q31.1.
Variant type: single nucleotide variant.
Coding change: c.8686C>A on transcript NM_004525.3 (MANE Select); coding-DNA position 8686, C replaced by A.
Protein change: p.Pro2896Thr; replaces proline 2896 with threonine.
Molecular consequence: missense variant.
Genome position (GRCh38, 1-based): chr2:169,196,923, G>T on the plus strand (C>A on the coding strand, the complement: LRP2 is on the minus strand). VCF-style: chr2-169196923-G-T. GRCh37 (hg19) VCF-style: chr2-170053433-G-T.
Other names: short protein forms P2896T.
Identifiers: ClinVar variation 2651524 (VCV002651524.24), dbSNP rs2545782184, ClinGen allele CA349161911.